The following continues an entry in ClinVar:

NM_024079.5(ALG8):c.1090C>T (p.Arg364Ter)

Gene: ALG8. ClinVar aggregate classification (germline): Pathogenic/Likely pathogenic. Pathogenic (15); Likely pathogenic (1).

Submissions 8 to 26 of 26:

ARUP Laboratories, Molecular Genetics and Genomics, ARUP Laboratories
Classification: Pathogenic. Last evaluated: 2024-08-09. Review status: criteria provided, single submitter. Criteria: ARUP Molecular Germline Variant Investigation Process 2024. Collection method: clinical testing. Allele origin: germline.
Comment: The ALG8 c.1090C>T; p.Arg364Ter variant (rs376161880, ClinVar Variation ID: 280116) is reported heterozygous in individuals with polycystic liver disease and compound heterozygous in individuals with congenital disorder of glycosylation (Albokhari 2022, Apple 2023, Boerrigter 2023, Vesela 2009). This variant is found in the non-Finnish European population with an allele frequency of 0.01% (14/129120 alleles) in the Genome Aggregation Database (v.2.1.1). This variant induces an early termination codon and is predicted to result in a truncated protein or mRNA subject to nonsense-mediated decay. Based on available information, this variant is considered to be pathogenic. References: Albokhari D et al. ALG8-CDG: Molecular and phenotypic expansion suggests clinical management guidelines. J Inherit Metab Dis. 2022 Sep;45(5):969-980. PMID: 35716054. Apple B et al. Individuals heterozygous for ALG8 protein-truncating variants are at increased risk of a mild cystic kidney disease. Kidney Int. 2023 Mar;103(3):607-615. PMID: 36574950. Boerrigter MM et al. Novel a-1,3-Glucosyltransferase Variants and Their Broad Clinical Polycystic Liver Disease Spectrum. Genes (Basel). 2023 Aug 19;14(8):1652. PMID: 37628703. Vesela K et al. A new case of ALG8 deficiency (CDG Ih). J Inherit Metab Dis. 2009 Dec;32 Suppl 1. PMID: 19688606.

3billion
Classification: Pathogenic for Polycystic liver disease 3 with or without kidney cysts. Last evaluated: 2023-12-22. Review status: criteria provided, single submitter. Criteria: ACMG Guidelines, 2015. Collection method: clinical testing. Allele origin: germline. Affected: yes.
Comment: The variant is observed at an allele frequency greater than expected for the associated disorder in the gnomAD v2.1.1 dataset and therefore considered benign. Predicted Consequence/Location: Stop-gained (nonsense): predicted to result in a loss or disruption of normal protein function through nonsense-mediated decay (NMD) or protein truncation. Multiple pathogenic variants are reported downstream of the variant. The variant has been reported at least twice as pathogenic with clinical assertions and evidence for the classification (ClinVar ID: VCV000280116 /PMID: 19688606). Therefore, this variant is classified as Pathogenic according to the recommendation of ACMG/AMP guideline.

Fulgent Genetics
Classification: Pathogenic for ALG8 congenital disorder of glycosylation; Polycystic liver disease 3 with or without kidney cysts. Last evaluated: 2021-06-30. Review status: criteria provided, single submitter. Criteria: ACMG Guidelines, 2015. Collection method: clinical testing. Allele origin: unknown.
Comment: This variant has been detected in individual(s) who were sent for testing of Renasight - kidney gene panel.

Laboratorio de Genetica e Diagnostico Molecular, Hospital Israelita Albert Einstein
Classification: Pathogenic. Last evaluated: 2021-03-11. Review status: criteria provided, single submitter. Criteria: ACMG Guidelines, 2015. Collection method: clinical testing. Allele origin: germline. Affected: yes.
Comment: ACMG classification criteria: PVS1, PS4, PM2, PM3

Ambry Genetics
Classification: Pathogenic for Inborn genetic diseases. Last evaluated: 2020-11-18. Review status: criteria provided, single submitter. Criteria: Ambry Variant Classification Scheme 2023. Collection method: clinical testing. Allele origin: germline.
Comment: The c.1090C>T (p.R364*) alteration, located in exon 10 (coding exon 10) of the ALG8 gene, consists of a C to T substitution at nucleotide position 1090. This changes the amino acid from an arginine (R) to a stop codon at amino acid position 364. In addition to the clinical data presented in the literature, this alteration is expected to result in loss of function by premature protein truncation or nonsense-mediated mRNA decay. Based on data from the Genome Aggregation Database (gnomAD) database, the ALG8 c.1090C>T alteration was observed in 0.01% (18/282788) of total alleles studied, with a frequency of 0.01% (14/129120) in the European (non-Finnish) subpopulation. This alteration has been detected with another mutation in patients with clinical and biochemical features consistent with congenital disorder of glycosylation type Ih, and parental testing confirmed in trans in one patient (Vesela, 2009; H&ouml;ck, 2015). This alteration has also been detected in the heterozygous state in three unrelated patients with polycystic liver disease with or without renal cysts (Besse, 2017); however, this disease does not currently meet published gene-disease clinical validity criteria for this gene (Smith, 2017). Based on the available evidence, this alteration is classified as pathogenic.

Arkana Molecular Diagnostic Laboratory, Arkana Laboratories
Classification: Pathogenic for Polycystic liver disease 3 with or without kidney cysts. Last evaluated: 2020-03-23. Review status: criteria provided, single submitter. Criteria: ACMG Guidelines, 2015. Collection method: clinical testing. Allele origin: inherited. Affected: yes. Observed: 1 variant allele.
Comment: NGS Exome with Sanger sequencing confirmation

Revvity Omics, Revvity
Classification: Likely pathogenic. Last evaluated: 2019-12-06. Review status: criteria provided, single submitter. Criteria: ACMG Guidelines, 2015. Collection method: clinical testing. Allele origin: germline.

Eurofins Ntd Llc (ga)
Classification: Pathogenic. Last evaluated: 2017-03-16. Review status: criteria provided, single submitter. Criteria: EGL Classification Definitions 2015. Collection method: clinical testing. Allele origin: germline. Observed: 1 variant allele, 1 heterozygote.

Clinical Genetics Service, Universitary Hospital 12 de Octubre
Classification: Pathogenic for Polycystic liver disease 3 with or without kidney cysts. Review status: criteria provided, single submitter. Criteria: ACMG Guidelines, 2015. Collection method: clinical testing. Allele origin: germline. Affected: yes.

Gharavi Laboratory, Columbia University
Classification: Likely pathogenic for Polycystic liver disease 3 with or without kidney cysts. Last evaluated: 2024-11-05. Review status: no assertion criteria provided. Criteria: ACMG Guidelines, 2015. Collection method: case-control. Allele origin: germline. Affected: yes. Not counted in ClinVar's aggregate classification.

OMIM
Classification: Pathogenic for CONGENITAL DISORDER OF GLYCOSYLATION, TYPE Ih. Last evaluated: 2022-03-01. Review status: no assertion criteria provided. Collection method: literature only. Allele origin: germline. Not counted in ClinVar's aggregate classification.

Laboratory of Gastroenterology and Hepatology, Radboud University Medical Center
Classification: Pathogenic for Isolated polycystic liver disease. Last evaluated: 2021-06-08. Review status: no assertion criteria provided. Collection method: research. Allele origin: germline. Affected: yes. Not counted in ClinVar's aggregate classification.

Department of Pathology and Laboratory Medicine, Sinai Health System
Classification: Pathogenic. Review status: no assertion criteria provided. Collection method: clinical testing. Allele origin: unknown. Affected: yes. Study: The Canadian Open Genetics Repository (COGR). Not counted in ClinVar's aggregate classification.
Comment: The ALG8 p.R364* variant was identified as a heterozygous variant in 3 of 102 individuals (frequency: 0.015) with polycystic liver disease (Besse_2017_PMID:28375157). In the compound heterozygous state, the variant has been reported in cases with congenital disorders of glycosylation Ih in probands who carried another pathogenic ALG8 variant (Vesela_2009_PMID:19688606; Hock_2015_PMID:26066342). The variant was identified in dbSNP (ID: rs376161880) and ClinVar (classified as pathogenic by GeneDx and EGL Genetics). The variant was identified in control databases in 18 of 282788 chromosomes at a frequency of 0.00006365 (Genome Aggregation Database March 6, 2019, v2.1.1). The variant was observed in the following populations: European (non-Finnish) in 14 of 129120 chromosomes (freq: 0.000108), South Asian in 2 of 30616 chromosomes (freq: 0.000065), African in 1 of 24954 chromosomes (freq: 0.00004) and Latino in 1 of 35436 chromosomes (freq: 0.000028), but was not observed in the Ashkenazi Jewish, East Asian, European (Finnish), or Other populations. The c.1090C>T variant leads to a premature stop codon at position 364 which is predicted to lead to a truncated or absent protein and loss of function. Loss of function variants of the ALG8 gene are an established mechanism of disease in congenital disorders of glycosylation Ih and are the type of variant expected to cause the disorder when found in the homozygous or compound heterozygous state. Loss of function variants in the ALG8 gene may also contribute to autosomal dominant polycystic liver disease. In summary, based on the above information this variant meets our laboratoryâ€šÃ„Ã´s criteria to be classified as pathogenic.

Diagnostic Laboratory, Department of Genetics, University Medical Center Groningen
Classification: Pathogenic. Review status: no assertion criteria provided. Collection method: clinical testing. Allele origin: germline. Affected: yes. Study: VKGL Data-share Consensus. Not counted in ClinVar's aggregate classification.

Genome Diagnostics Laboratory, University Medical Center Utrecht
Classification: Pathogenic. Review status: no assertion criteria provided. Collection method: clinical testing. Allele origin: germline. Affected: yes. Study: VKGL Data-share Consensus. Not counted in ClinVar's aggregate classification.

Joint Genome Diagnostic Labs from Nijmegen and Maastricht, Radboudumc and MUMC+
Classification: Pathogenic. Review status: no assertion criteria provided. Collection method: clinical testing. Allele origin: germline. Affected: yes. Study: VKGL Data-share Consensus. Not counted in ClinVar's aggregate classification.

Laboratory of Diagnostic Genome Analysis, Leiden University Medical Center (LUMC)
Classification: Likely pathogenic. Review status: no assertion criteria provided. Collection method: clinical testing. Allele origin: germline. Affected: yes. Study: VKGL Data-share Consensus. Not counted in ClinVar's aggregate classification.

Zotz-Klimas Genetics Lab, MVZ Zotz Klimas
Classification: Pathogenic for Polycystic liver disease 3 with or without kidney cysts. Last evaluated: 2023-10-09. Review status: flagged submission. Collection method: clinical testing. Allele origin: germline. Affected: yes. Not counted in ClinVar's aggregate classification.
ClinVar note: Notes: Flagging candidate with reason of insufficient supporting evidence. This gene has been classified as having a limited gene-disease relationship by a ClinGen Expert Panel.
ClinVar note: Reason: Other

OMIM
Classification: Pathogenic for POLYCYSTIC LIVER DISEASE 3 WITH KIDNEY CYSTS. Last evaluated: 2022-03-01. Review status: flagged submission. Collection method: literature only. Allele origin: germline. Not counted in ClinVar's aggregate classification.
ClinVar note: Notes: Flagging candidate with reason of insufficient supporting evidence. This gene has been classified as having a limited gene-disease relationship by a ClinGen Expert Panel.
ClinVar note: Reason: Other

Literature cited by the submitters: PubMed 19688606 (cited by 5 submitters); PubMed 36574950 (cited by Labcorp Genetics (formerly Invitae), Labcorp); PubMed 26066342 (cited by 4 submitters); PubMed 39899384 (cited by Mayo Translational Polycystic Kidney Disease Center, Mayo Clinic); PubMed 28375157 (cited by 3 submitters); PubMed 28106320 (cited by Ambry Genetics); PubMed 37628703 (cited by Laboratory of Gastroenterology and Hepatology, Radboud University Medical Center).